The following is an entry in ClinVar:

ClinVar aggregate classification (germline): Pathogenic. Review status: criteria provided, multiple submitters, no conflicts (2 of 4 stars). 5 submissions from 5 submitters: Pathogenic (5). Last evaluated 2025-01-09.

Conditions:
Developmental and epileptic encephalopathy, 42 (DEE42A). Also called: Epileptic encephalopathy, early infantile, 42; DEVELOPMENTAL AND EPILEPTIC ENCEPHALOPATHY 42A; EPILEPTIC ENCEPHALOPATHY, EARLY INFANTILE, 42A. Identifiers: MedGen C4310716, MONDO:0014917, OMIM 617106.
Episodic ataxia type 2 (EA2). Also called: CEREBELLAR ATAXIA, PAROXYSMAL, ACETAZOLAMIDE-RESPONSIVE; CEREBELLOPATHY, HEREDITARY PAROXYSMAL; EPISODIC ATAXIA, NYSTAGMUS-ASSOCIATED; ATAXIA, EPISODIC, WITH NYSTAGMUS; ATAXIA, FAMILIAL PAROXYSMAL; ACETAZOLAMIDE-RESPONSIVE HEREDITARY PAROXYSMAL CEREBELLAR ATAXIA. Identifiers: Orphanet 97, MedGen C1720416, MONDO:0007163, OMIM 108500.
CACNA1A-related complex neurodevelopmental disorder. Identifiers: MedGen CN323281, MONDO:0100254.

gnomAD v4.1: 1 of 1,581,460 alleles (0.000063%); highest among the groups gnomAD compares: Non-Finnish European, 0.000086%; no homozygotes.

Submissions (5):

GeneDx
Classification: Pathogenic. Last evaluated: 2025-01-09. Review status: criteria provided, single submitter. Criteria: GeneDx Variant Classification Process June 2021. Collection method: clinical testing. Allele origin: germline. Affected: yes.
Comment: Nonsense variant predicted to result in protein truncation or nonsense mediated decay in a gene for which loss of function is a known mechanism of disease; Not observed at significant frequency in large population cohorts (gnomAD); Has not been previously published as pathogenic or benign to our knowledge; This variant is associated with the following publications: (PMID: 27250579, 25735478, 10371528, 19486177)

Victorian Clinical Genetics Services, Murdoch Childrens Research Institute
Classification: Pathogenic for CACNA1A-related complex neurodevelopmental disorder. Last evaluated: 2024-10-09. Review status: criteria provided, single submitter. Criteria: ACMG Guidelines, 2015. Collection method: clinical testing. Allele origin: germline. Inheritance: Autosomal dominant inheritance. Affected: yes.
Comment: Based on the classification scheme VCGS_Germline_v1.3.4, this variant is classified as Pathogenic. Following criteria are met: 0103 - Loss of function and gain of function are known mechanisms of disease in this gene and are associated with CACNA1A-related disease. Episodic ataxia, type 2 (MIM#108500) is caused by variants with a loss of function mechanism (PMID: 28566750). (I) 0107 - This gene is associated with autosomal dominant disease. (I) 0112 - The condition associated with this gene has incomplete penetrance. Reduced penetrance has been reported for patients with episodic ataxia, type 2 (OMIM). (I) 0115 - Variants in this gene are known to have variable expressivity. Two families with episodic ataxia, intellectual disability and/or epilepsy have been reported with intrafamilial variability (PMID: 32910250, PMID: 30142438). (I) 0201 - Variant is predicted to cause nonsense-mediated decay (NMD) and loss of protein (premature termination codon is located at least 54 nucleotides upstream of the final exon-exon junction). (SP) 0251 - This variant is heterozygous. (I) 0301 - Variant is absent from gnomAD (both v2 and v3). (SP) 0701 - Other NMD-predicted variants comparable to the one identified in this case have very strong previous evidence for pathogenicity. Many NMD-predicted variants have been reported as pathogenic for CACNA1A-related disease (ClinVar). (SP) 0802 - This variant has moderate previous evidence of pathogenicity in unrelated individuals. This variant has been reported four times as pathogenic (ClinVar, LOVD). (I) Legend: (SP) - Supporting pathogenic, (I) - Information, (SB) - Supporting benign

Labcorp Genetics (formerly Invitae), Labcorp
Classification: Pathogenic for Developmental and epileptic encephalopathy, 42; Episodic ataxia type 2. Last evaluated: 2024-07-08. Review status: criteria provided, single submitter. Criteria: Invitae Variant Classification Sherloc (09022015). Collection method: clinical testing. Allele origin: germline.
Comment: This sequence change creates a premature translational stop signal (p.Arg198*) in the CACNA1A gene. It is expected to result in an absent or disrupted protein product. Loss-of-function variants in CACNA1A are known to be pathogenic (PMID: 10371528, 19486177, 25735478, 27250579). This variant is not present in population databases (gnomAD no frequency). This variant has not been reported in the literature in individuals affected with CACNA1A-related conditions. ClinVar contains an entry for this variant (Variation ID: 650263). For these reasons, this variant has been classified as Pathogenic.

Institute of Human Genetics, University of Leipzig Medical Center
Classification: Pathogenic for Developmental and epileptic encephalopathy, 42. Last evaluated: 2021-09-28. Review status: criteria provided, single submitter. Criteria: ACMG Guidelines, 2015. Collection method: clinical testing. Allele origin: unknown. Affected: yes.

Athena Diagnostics
Classification: Pathogenic. Last evaluated: 2018-09-18. Review status: criteria provided, single submitter. Criteria: Athena Diagnostics Criteria. Collection method: clinical testing. Allele origin: germline.
Comment: The variant creates a premature nonsense codon, and is therefore predicted to significantly disrupt the protein structure. Found in at least one symptomatic patient, and not found in general population data.

Literature cited by the submitters: PubMed 28566750 (cited by Victorian Clinical Genetics Services, Murdoch Childrens Research Institute); PubMed 30142438 (cited by Victorian Clinical Genetics Services, Murdoch Childrens Research Institute); PubMed 32910250 (cited by Victorian Clinical Genetics Services, Murdoch Childrens Research Institute); PubMed 10371528 (cited by Labcorp Genetics (formerly Invitae), Labcorp); PubMed 19486177 (cited by Labcorp Genetics (formerly Invitae), Labcorp); PubMed 25735478 (cited by Labcorp Genetics (formerly Invitae), Labcorp); PubMed 27250579 (cited by Labcorp Genetics (formerly Invitae), Labcorp).

NM_001127222.2(CACNA1A):c.592C>T (p.Arg198Ter)

Gene: CACNA1A (calcium voltage-gated channel subunit alpha1 A; minus strand). Cytogenetic location: 19p13.13.
Variant type: single nucleotide variant.
Coding change: c.592C>T on transcript NM_001127222.2 (MANE Select); coding-DNA position 592, C replaced by T.
Protein change: p.Arg198Ter; replaces arginine 198 with a stop codon.
Molecular consequence: nonsense.
Genome position (GRCh38, 1-based): chr19:13,371,727, G>A on the plus strand (C>T on the coding strand, the complement: CACNA1A is on the minus strand). VCF-style: chr19-13371727-G-A. GRCh37 (hg19) VCF-style: chr19-13482541-G-A.
Other names: c.592C>T, p.Arg198Ter (NM_023035.3, NM_000068.4, NM_001127221.2 and 1 more transcripts); c.592C>T (NM_001127222.1); short protein forms R198*.
Identifiers: ClinVar variation 650263 (VCV000650263.13), dbSNP rs886042230, ClinGen allele CA404350907.